The following is an entry in ClinVar:

NM_153676.4(USH1C):c.406C>T (p.Arg136Trp)

Gene: USH1C (USH1 protein network component harmonin; minus strand). Cytogenetic location: 11p15.1.
Variant type: single nucleotide variant.
Coding change: c.406C>T on transcript NM_153676.4 (MANE Select); coding-DNA position 406, C replaced by T.
Protein change: p.Arg136Trp; replaces arginine 136 with tryptophan.
Molecular consequence: missense variant. On other transcripts: non-coding transcript variant (1).
Genome position (GRCh38, 1-based): chr11:17,527,313, G>A on the plus strand (C>T on the coding strand, the complement: USH1C is on the minus strand). VCF-style: chr11-17527313-G-A. GRCh37 (hg19) VCF-style: chr11-17548860-G-A.
Other names: NM_153676.3:c.406C>T; p.Arg136Trp; c.406C>T, p.Arg136Trp (NM_001297764.2, NM_005709.4); short protein forms R136W.
Identifiers: ClinVar variation 303815 (VCV000303815.17), dbSNP rs368903400, ClinGen allele CA5905053.
Genomic context (GRCh38, chr11:17,527,313, plus strand): 5'-TTCGAATGAGGTTGATGACCTCCTCATGGGTACAGGAGGAGATGGAATATCCATTGATCC[G>A]GACGATCTCGTCCCCTACCTTGACCACAGAGAGAGGCAGGGAGCACCAGGTGGAGGGAGC-3'
Protein context (NP_710142.1, residues 126-146): VGLQVGDEIV[Arg136Trp]INGYSISSCT

ClinVar aggregate classification (germline): Uncertain significance. Review status: criteria provided, multiple submitters, no conflicts (2 of 4 stars). 6 submissions from 6 submitters: Uncertain significance (5). 1 of the submissions does not count toward it. Last evaluated 2024-09-16.

Conditions:
Inborn genetic diseases. Identifiers: MedGen C0950123, MeSH D030342.
Usher syndrome type 1C. Also called: USHER SYNDROME, TYPE I, ACADIAN VARIETY. Identifiers: Orphanet 231169, Orphanet 886, MedGen C1848604, MONDO:0010171, OMIM 276904.

Allele frequency attached by ClinVar (database versions not stated): gnomAD exomes 0.00005; ExAC 0.00007; gnomAD 0.00007; ESP Exome Variant Server 0.00008; TOPMed 0.00013; 1000 Genomes Project 30x 0.00016; 1000 Genomes Project 0.00020.
gnomAD v4.1: 62 of 1,612,414 alleles (0.0038%); highest among the groups gnomAD compares: Middle Eastern, 0.05%; 1 homozygote.

Submissions (6):

Blueprint Genetics
Classification: Uncertain significance. Last evaluated: 2024-09-16. Review status: criteria provided, single submitter. Criteria: ACMG Guidelines, 2015. Collection method: clinical testing. Allele origin: germline.

Ambry Genetics
Classification: Uncertain significance for Inborn genetic diseases. Last evaluated: 2023-11-14. Review status: criteria provided, single submitter. Criteria: Ambry Variant Classification Scheme 2023. Collection method: clinical testing. Allele origin: germline.

Labcorp Genetics (formerly Invitae), Labcorp
Classification: Uncertain significance. Last evaluated: 2022-10-24. Review status: criteria provided, single submitter. Criteria: Invitae Variant Classification Sherloc (09022015). Collection method: clinical testing. Allele origin: germline.
Comment: This sequence change replaces arginine, which is basic and polar, with tryptophan, which is neutral and slightly polar, at codon 136 of the USH1C protein (p.Arg136Trp). This variant is present in population databases (rs368903400, gnomAD 0.008%), including at least one homozygous and/or hemizygous individual. This variant has not been reported in the literature in individuals affected with USH1C-related conditions. ClinVar contains an entry for this variant (Variation ID: 303815). Algorithms developed to predict the effect of missense changes on protein structure and function (SIFT, PolyPhen-2, Align-GVGD) all suggest that this variant is likely to be disruptive. In summary, the available evidence is currently insufficient to determine the role of this variant in disease. Therefore, it has been classified as a Variant of Uncertain Significance.

Laboratory for Molecular Medicine, Mass General Brigham Personalized Medicine
Classification: Uncertain significance. Last evaluated: 2018-08-09. Review status: criteria provided, single submitter. Criteria: LMM Criteria. Collection method: clinical testing. Allele origin: germline. Observed: 1 variant allele.
Comment: The p.Arg136Trp variant in USH1C has not been previously reported in individuals with Usher syndrome or hearing loss, but has been identified in 9/126506 Europe an and 2/23994 African chromosomes by the Genome Aggregation Database (gnomAD). This variant has also been reported in ClinVar (Variation ID 303815). Computational prediction tools and conservation analysis suggest that this variant may impact the protein, though this information is no t predictive enough to rule out pathogenicity. In summary, the clinical signific ance of this variant is uncertain. ACMG/AMP Criteria applied: PP3.

Illumina Laboratory Services, Illumina
Classification: Uncertain significance for Usher syndrome type 1C. Last evaluated: 2018-01-13. Review status: criteria provided, single submitter. Criteria: ICSL Variant Classification Criteria 13 December 2019. Collection method: clinical testing. Allele origin: germline.

Natera, Inc.
Classification: Uncertain significance for Usher syndrome type 1C. Last evaluated: 2020-02-27. Review status: no assertion criteria provided. Collection method: clinical testing. Allele origin: germline. Not counted in ClinVar's aggregate classification.